The following is an entry in ClinVar:

ClinVar aggregate classification (germline): Uncertain significance. Review status: criteria provided, multiple submitters, no conflicts (2 of 4 stars). 2 submissions from 2 submitters: Uncertain significance (2). Last evaluated 2024-08-14.

Conditions:
Hereditary cancer-predisposing syndrome. Also called: Tumor predisposition; Hereditary neoplastic syndrome; Hereditary Cancer Syndrome; Neoplastic Syndromes, Hereditary. Identifiers: Orphanet 140162, MedGen C0027672, MeSH D009386, MONDO:0015356.

Allele frequency attached by ClinVar (database versions not stated): TOPMed below 0.00001.

Submissions (2):

Labcorp Genetics (formerly Invitae), Labcorp
Classification: Uncertain significance. Last evaluated: 2024-08-14. Review status: criteria provided, single submitter. Criteria: Invitae Variant Classification Sherloc (09022015). Collection method: clinical testing. Allele origin: germline.
Comment: This sequence change replaces serine, which is neutral and polar, with threonine, which is neutral and polar, at codon 520 of the MSH3 protein (p.Ser520Thr). This variant is not present in population databases (gnomAD no frequency). This variant has not been reported in the literature in individuals affected with MSH3-related conditions. An algorithm developed to predict the effect of missense changes on protein structure and function (PolyPhen-2) suggests that this variant is likely to be tolerated. In summary, the available evidence is currently insufficient to determine the role of this variant in disease. Therefore, it has been classified as a Variant of Uncertain Significance.

Ambry Genetics
Classification: Uncertain significance for Hereditary cancer-predisposing syndrome. Last evaluated: 2024-01-31. Review status: criteria provided, single submitter. Criteria: Ambry Variant Classification Scheme 2023. Collection method: clinical testing. Allele origin: germline.
Comment: The p.S520T variant (also known as c.1558T>A), located in coding exon 10 of the MSH3 gene, results from a T to A substitution at nucleotide position 1558. The serine at codon 520 is replaced by threonine, an amino acid with similar properties. This amino acid position is conserved. In addition, this alteration is predicted to be tolerated by in silico analysis. Based on the available evidence, the clinical significance of this alteration remains unclear.

NM_002439.5(MSH3):c.1558T>A (p.Ser520Thr)

Gene: MSH3 (mutS homolog 3; plus strand). Cytogenetic location: 5q14.1.
Variant type: single nucleotide variant.
Coding change: c.1558T>A on transcript NM_002439.5 (MANE Select); coding-DNA position 1558, T replaced by A.
Protein change: p.Ser520Thr; replaces serine 520 with threonine.
Molecular consequence: missense variant.
Genome position (GRCh38, 1-based): chr5:80,728,955, T>A. VCF-style: chr5-80728955-T-A. GRCh37 (hg19) VCF-style: chr5-80024774-T-A.
Other names: short protein forms S520T.
Identifiers: ClinVar variation 3222241 (VCV003222241.3), dbSNP rs1392463069, ClinGen allele CA360274369.